The following is an entry in ClinVar:

ClinVar aggregate classification (germline): Uncertain significance. Review status: criteria provided, multiple submitters, no conflicts (2 of 4 stars). 2 submissions from 2 submitters: Uncertain significance (2). Last evaluated 2025-05-04.

Conditions:
Inborn genetic diseases. Identifiers: MedGen C0950123, MeSH D030342.

Allele frequency attached by ClinVar (database versions not stated): gnomAD 0.00001; gnomAD exomes below 0.00001; TOPMed below 0.00001; ExAC 0.00001.
gnomAD v4.1: 6 of 1,611,894 alleles (0.00037%); highest among the groups gnomAD compares: East Asian, 0.0045%; no homozygotes.

Submissions (2):

Ambry Genetics
Classification: Uncertain significance for Inborn genetic diseases. Last evaluated: 2025-05-04. Review status: criteria provided, single submitter. Criteria: Ambry Variant Classification Scheme 2023. Collection method: clinical testing. Allele origin: germline.

Labcorp Genetics (formerly Invitae), Labcorp
Classification: Uncertain significance. Last evaluated: 2022-03-20. Review status: criteria provided, single submitter. Criteria: Invitae Variant Classification Sherloc (09022015). Collection method: clinical testing. Allele origin: germline.
Comment: This sequence change replaces glutamic acid, which is acidic and polar, with lysine, which is basic and polar, at codon 620 of the RBP3 protein (p.Glu620Lys). In summary, the available evidence is currently insufficient to determine the role of this variant in disease. Therefore, it has been classified as a Variant of Uncertain Significance. Algorithms developed to predict the effect of missense changes on protein structure and function are either unavailable or do not agree on the potential impact of this missense change (SIFT: "Deleterious"; PolyPhen-2: "Benign"; Align-GVGD: "Class C0"). This variant has not been reported in the literature in individuals affected with RBP3-related conditions. The frequency data for this variant in the population databases is considered unreliable, as metrics indicate poor data quality at this position in the gnomAD database.

NM_002900.3(RBP3):c.1858G>A (p.Glu620Lys)

Gene: RBP3 (retinol binding protein 3; plus strand). Cytogenetic location: 10q11.22.
Variant type: single nucleotide variant.
Coding change: c.1858G>A on transcript NM_002900.3 (MANE Select); coding-DNA position 1858, G replaced by A.
Protein change: p.Glu620Lys; replaces glutamic acid 620 with lysine.
Molecular consequence: missense variant.
Genome position (GRCh38, 1-based): chr10:47,350,342, G>A. VCF-style: chr10-47350342-G-A. GRCh37 (hg19) VCF-style: chr10-48389020-C-T.
Other names: c.1858G>A (NM_002900.2); short protein forms E620K.
Identifiers: ClinVar variation 2071877 (VCV002071877.3), dbSNP rs781789431, ClinGen allele CA5487409.